The following is an entry in ClinVar:

NM_000263.4(NAGLU):c.2210G>A (p.Arg737His)

Gene: NAGLU (N-acetyl-alpha-glucosaminidase; plus strand). Cytogenetic location: 17q21.2.
Variant type: single nucleotide variant.
Coding change: c.2210G>A on transcript NM_000263.4 (MANE Select); coding-DNA position 2210, G replaced by A.
Protein change: p.Arg737His; replaces arginine 737 with histidine.
Molecular consequence: missense variant.
Genome position (GRCh38, 1-based): chr17:42,544,216, G>A. VCF-style: chr17-42544216-G-A. GRCh37 (hg19) VCF-style: chr17-40696234-G-A.
Other names: short protein forms R737H.
Identifiers: ClinVar variation 1958681 (VCV001958681.2), dbSNP rs373898536, ClinGen allele CA8577161.

ClinVar aggregate classification (germline): Uncertain significance (1 of 4 stars; one submission).

Conditions:
Mucopolysaccharidosis, MPS-III-B (MPS3B). Also called: N-ACETYL-ALPHA-D-GLUCOSAMINIDASE DEFICIENCY; NAGLU DEFICIENCY; SANFILIPPO SYNDROME B; MPS III B; Mucopolysaccharidosis type IIIB (Sanfilippo B); MPS IIIB (Sanfilippo Syndrome Type B). Identifiers: Orphanet 79270, MedGen C0086648, MONDO:0009656, OMIM 252920.
Charcot-Marie-Tooth disease axonal type 2V. Also called: CHARCOT-MARIE-TOOTH NEUROPATHY, TYPE 2V; CHARCOT-MARIE-TOOTH DISEASE, AXONAL, AUTOSOMAL DOMINANT, TYPE 2V. Identifiers: Orphanet 447964, MedGen C5569050, MONDO:0014665, OMIM 616491.

Allele frequency attached by ClinVar (database versions not stated): TOPMed 0.00001; ExAC 0.00001; ESP Exome Variant Server 0.00008; gnomAD 0.00001.
gnomAD v4.1: 2 of 1,610,100 alleles (0.00012%); highest among the groups gnomAD compares: African/African-American, 0.0027%; no homozygotes.

Submission:

Labcorp Genetics (formerly Invitae), Labcorp
Classification: Uncertain significance for Charcot-Marie-Tooth disease axonal type 2V; Mucopolysaccharidosis, MPS-III-B. Last evaluated: 2021-09-01. Review status: criteria provided, single submitter. Criteria: Invitae Variant Classification Sherloc (09022015). Collection method: clinical testing. Allele origin: germline.
Comment: This sequence change replaces arginine with histidine at codon 737 of the NAGLU protein (p.Arg737His). The arginine residue is weakly conserved and there is a small physicochemical difference between arginine and histidine. This variant is present in population databases (rs373898536, ExAC 0.01%). This variant has not been reported in the literature in individuals affected with NAGLU-related conditions. Advanced modeling of protein sequence and biophysical properties (such as structural, functional, and spatial information, amino acid conservation, physicochemical variation, residue mobility, and thermodynamic stability) performed at Invitae indicates that this missense variant is not expected to disrupt NAGLU protein function. In summary, the available evidence is currently insufficient to determine the role of this variant in disease. Therefore, it has been classified as a Variant of Uncertain Significance.